The following is an entry in ClinVar:

ClinVar aggregate classification (germline): Uncertain significance (1 of 4 stars; one submission).

Conditions:
Primary ciliary dyskinesia 28. Also called: CILIARY DYSKINESIA, PRIMARY, 28, WITH OR WITHOUT SITUS INVERSUS. Identifiers: Orphanet 244, MedGen C3809706, MONDO:0014216, OMIM 615505.

Allele frequency attached by ClinVar (database versions not stated): TOPMed 0.00001; gnomAD exomes 0.00002.
gnomAD v4.1: 23 of 1,524,364 alleles (0.0015%); highest among the groups gnomAD compares: Non-Finnish European, 0.0019%; no homozygotes.

Submission:

Labcorp Genetics (formerly Invitae), Labcorp
Classification: Uncertain significance for Primary ciliary dyskinesia 28. Last evaluated: 2023-07-07. Review status: criteria provided, single submitter. Criteria: Invitae Variant Classification Sherloc (09022015). Collection method: clinical testing. Allele origin: germline.
Comment: This sequence change replaces asparagine, which is neutral and polar, with serine, which is neutral and polar, at codon 715 of the SPAG1 protein (p.Asn715Ser). This variant is not present in population databases (gnomAD no frequency). This variant has not been reported in the literature in individuals affected with SPAG1-related conditions. ClinVar contains an entry for this variant (Variation ID: 1407905). Advanced modeling of protein sequence and biophysical properties (such as structural, functional, and spatial information, amino acid conservation, physicochemical variation, residue mobility, and thermodynamic stability) performed at Invitae indicates that this missense variant is not expected to disrupt SPAG1 protein function. In summary, the available evidence is currently insufficient to determine the role of this variant in disease. Therefore, it has been classified as a Variant of Uncertain Significance.

NM_003114.5(SPAG1):c.2144A>G (p.Asn715Ser)

Gene: SPAG1 (sperm associated antigen 1; plus strand). Cytogenetic location: 8q22.2.
Variant type: single nucleotide variant.
Coding change: c.2144A>G on transcript NM_003114.5 (MANE Select); coding-DNA position 2144, A replaced by G.
Protein change: p.Asn715Ser; replaces asparagine 715 with serine.
Molecular consequence: missense variant.
Genome position (GRCh38, 1-based): chr8:100,239,268, A>G. VCF-style: chr8-100239268-A-G. GRCh37 (hg19) VCF-style: chr8-101251496-A-G.
Other names: c.2144A>G, p.Asn715Ser (NM_001374321.1, NM_172218.3); short protein forms N715S.
Identifiers: ClinVar variation 1407905 (VCV001407905.6), dbSNP rs771009402, ClinGen allele CA182394366.